The following is an entry in ClinVar:

ClinVar aggregate classification (germline): Uncertain significance (1 of 4 stars; one submission).

Conditions:
Noonan syndrome 9 (NS9). Identifiers: Orphanet 648, MedGen C4225282, MONDO:0014691, OMIM 616559.

Allele frequency attached by ClinVar (database versions not stated): gnomAD exomes below 0.00001.
gnomAD v4.1: 1 of 1,609,408 alleles (0.000062%); highest among the groups gnomAD compares: Non-Finnish European, 0.000085%; no homozygotes.

Submission:

Labcorp Genetics (formerly Invitae), Labcorp
Classification: Uncertain significance for Noonan syndrome 9. Last evaluated: 2022-03-26. Review status: criteria provided, single submitter. Criteria: Invitae Variant Classification Sherloc (09022015). Collection method: clinical testing. Allele origin: germline.
Comment: Advanced modeling of protein sequence and biophysical properties (such as structural, functional, and spatial information, amino acid conservation, physicochemical variation, residue mobility, and thermodynamic stability) performed at Invitae indicates that this missense variant is expected to disrupt SOS2 protein function. This variant has not been reported in the literature in individuals affected with SOS2-related conditions. This variant is not present in population databases (gnomAD no frequency). This sequence change replaces tryptophan, which is neutral and slightly polar, with leucine, which is neutral and non-polar, at codon 727 of the SOS2 protein (p.Trp727Leu). In summary, the available evidence is currently insufficient to determine the role of this variant in disease. Therefore, it has been classified as a Variant of Uncertain Significance.

NM_006939.4(SOS2):c.2180G>T (p.Trp727Leu)

Gene: SOS2 (SOS Ras/Rho guanine nucleotide exchange factor 2; minus strand). Cytogenetic location: 14q21.3.
Variant type: single nucleotide variant.
Coding change: c.2180G>T on transcript NM_006939.4 (MANE Select); coding-DNA position 2180, G replaced by T.
Protein change: p.Trp727Leu; replaces tryptophan 727 with leucine.
Molecular consequence: missense variant.
Genome position (GRCh38, 1-based): chr14:50,150,212, C>A on the plus strand (G>T on the coding strand, the complement: SOS2 is on the minus strand). VCF-style: chr14-50150212-C-A. GRCh37 (hg19) VCF-style: chr14-50616930-C-A.
Other names: c.2081G>T, p.Trp694Leu (NM_001411020.1); short protein forms W694L, W727L.
Identifiers: ClinVar variation 2100216 (VCV002100216.4), dbSNP rs2502943127, ClinGen allele CA389644022.